The following is an entry in ClinVar:

ClinVar aggregate classification (germline): Uncertain significance (1 of 4 stars; one submission).

Conditions:
Inborn genetic diseases. Identifiers: MedGen C0950123, MeSH D030342.

gnomAD v4.1: 1 of 1,613,806 alleles (0.000062%); highest among the groups gnomAD compares: Non-Finnish European, 0.000085%; no homozygotes.

Submission:

Ambry Genetics
Classification: Uncertain significance for Inborn genetic diseases. Last evaluated: 2026-03-16. Review status: criteria provided, single submitter. Criteria: Ambry Variant Classification Scheme 2023. Collection method: clinical testing. Allele origin: germline.
Comment: The p.A945S variant (also known as c.2833G>T), located in coding exon 12 of the BMPR2 gene, results from a G to T substitution at nucleotide position 2833. The alanine at codon 945 is replaced by serine, an amino acid with similar properties. This amino acid position is conserved. In addition, the in silico prediction for this alteration is inconclusive. Based on the available evidence, the clinical significance of this variant remains unclear.

NM_001204.7(BMPR2):c.2833G>T (p.Ala945Ser)

Gene: BMPR2 (bone morphogenetic protein receptor type 2; plus strand). Cytogenetic location: 2q33.2.
Variant type: single nucleotide variant.
Coding change: c.2833G>T on transcript NM_001204.7 (MANE Select); coding-DNA position 2833, G replaced by T.
Protein change: p.Ala945Ser; replaces alanine 945 with serine.
Molecular consequence: missense variant.
Genome position (GRCh38, 1-based): chr2:202,556,498, G>T. VCF-style: chr2-202556498-G-T. GRCh37 (hg19) VCF-style: chr2-203421221-G-T.
Other names: short protein forms A945S.
Identifiers: ClinVar variation 4867575 (VCV004867575.1).